The following is an entry in ClinVar:

NM_004963.4(GUCY2C):c.32G>A (p.Trp11Ter)

Genes: GUCY2C (guanylate cyclase 2C; minus strand), GUCY2C-AS1 (GUCY2C antisense RNA 1; plus strand). Cytogenetic location: 12p12.3.
Variant type: single nucleotide variant.
Coding change: c.32G>A on transcript NM_004963.4 (MANE Select); coding-DNA position 32, G replaced by A.
Protein change: p.Trp11Ter; replaces tryptophan 11 with a stop codon.
Molecular consequence: nonsense.
Genome position (GRCh38, 1-based): chr12:14,696,417, C>T on the plus strand (G>A on the coding strand, the complement: GUCY2C is on the minus strand). VCF-style: chr12-14696417-C-T. GRCh37 (hg19) VCF-style: chr12-14849351-C-T.
Other names: short protein forms W11*.
Identifiers: ClinVar variation 1062025 (VCV001062025.7), dbSNP rs1386762223, ClinGen allele CA384009381.

ClinVar aggregate classification (germline): Uncertain significance (1 of 4 stars; one submission).

Allele frequency attached by ClinVar (database versions not stated): gnomAD exomes below 0.00001 and 0.00001; gnomAD 0.00001; TOPMed 0.00001.

Submission:

Labcorp Genetics (formerly Invitae), Labcorp
Classification: Uncertain significance. Last evaluated: 2025-08-31. Review status: criteria provided, single submitter. Criteria: Invitae Variant Classification Sherloc (09022015). Collection method: clinical testing. Allele origin: germline.
Comment: This sequence change creates a premature translational stop signal (p.Trp11*) in the GUCY2C gene. It is expected to result in an absent or disrupted protein product. However, the current clinical and genetic evidence is not sufficient to establish whether loss-of-function variants in GUCY2C cause disease. This variant is present in population databases (no rsID available, gnomAD 0.0009%). This variant has not been reported in the literature in individuals affected with GUCY2C-related conditions. ClinVar contains an entry for this variant (Variation ID: 1062025). Algorithms developed to predict the effect of sequence changes on RNA splicing suggest that this variant may create or strengthen a splice site. In summary, the available evidence is currently insufficient to determine the role of this variant in disease. Therefore, it has been classified as a Variant of Uncertain Significance.